The following is an entry in ClinVar:

NM_000135.4(FANCA):c.1921G>A (p.Ala641Thr)

Gene: FANCA (FA complementation group A; minus strand). Cytogenetic location: 16q24.3.
Variant type: single nucleotide variant.
Coding change: c.1921G>A on transcript NM_000135.4 (MANE Select); coding-DNA position 1921, G replaced by A.
Protein change: p.Ala641Thr; replaces alanine 641 with threonine.
Molecular consequence: missense variant.
Genome position (GRCh38, 1-based): chr16:89,773,364, C>T on the plus strand (G>A on the coding strand, the complement: FANCA is on the minus strand). VCF-style: chr16-89773364-C-T. GRCh37 (hg19) VCF-style: chr16-89839772-C-T.
Other names: c.1921G>A, p.Ala641Thr (NM_001286167.3); c.1921G>A (NM_000135.2); short protein forms A641T.
Identifiers: ClinVar variation 1370635 (VCV001370635.7), dbSNP rs867961005, ClinGen allele CA286568210.

ClinVar aggregate classification (germline): Uncertain significance. Review status: criteria provided, multiple submitters, no conflicts (2 of 4 stars). 2 submissions from 2 submitters: Uncertain significance (2). Last evaluated 2025-10-13.

Conditions:
Fanconi anemia (FA). Also called: Fanconi's anemia. Identifiers: Orphanet 84, MedGen C0015625, MeSH D005199, MONDO:0019391.
Inborn genetic diseases. Identifiers: MedGen C0950123, MeSH D030342.

Submissions (2):

Ambry Genetics
Classification: Uncertain significance for Inborn genetic diseases. Last evaluated: 2025-10-13. Review status: criteria provided, single submitter. Criteria: Ambry Variant Classification Scheme 2023. Collection method: clinical testing. Allele origin: germline.
Comment: The p.A641T variant (also known as c.1921G>A), located in coding exon 22 of the FANCA gene, results from a G to A substitution at nucleotide position 1921. The alanine at codon 641 is replaced by threonine, an amino acid with similar properties. This amino acid position is conserved. In addition, this alteration is predicted to be tolerated by in silico analysis. Based on the available evidence, the clinical significance of this variant remains unclear.

Labcorp Genetics (formerly Invitae), Labcorp
Classification: Uncertain significance for Fanconi anemia. Last evaluated: 2023-07-03. Review status: criteria provided, single submitter. Criteria: Invitae Variant Classification Sherloc (09022015). Collection method: clinical testing. Allele origin: germline.
Comment: This sequence change replaces alanine, which is neutral and non-polar, with threonine, which is neutral and polar, at codon 641 of the FANCA protein (p.Ala641Thr). This variant is not present in population databases (gnomAD no frequency). This variant has not been reported in the literature in individuals affected with FANCA-related conditions. ClinVar contains an entry for this variant (Variation ID: 1370635). Advanced modeling of protein sequence and biophysical properties (such as structural, functional, and spatial information, amino acid conservation, physicochemical variation, residue mobility, and thermodynamic stability) performed at Invitae indicates that this missense variant is not expected to disrupt FANCA protein function. In summary, the available evidence is currently insufficient to determine the role of this variant in disease. Therefore, it has been classified as a Variant of Uncertain Significance.